The following is an entry in ClinVar:

ClinVar aggregate classification (germline): Benign. Review status: criteria provided, multiple submitters, no conflicts (2 of 4 stars). 3 submissions from 3 submitters: Benign (3). Last evaluated 2026-04-14.

Conditions:
Progressive familial intrahepatic cholestasis type 2. Identifiers: Orphanet 79304, MedGen C3489789, MONDO:0011156, OMIM 601847.
Familial intrahepatic cholestasis. Identifiers: Orphanet 284385, MedGen CN296401, MONDO:0017290.

Allele frequency attached by ClinVar (database versions not stated): TOPMed 0.46996; gnomAD 0.47337 and 0.48077; 1000 Genomes Project 30x 0.49797; gnomAD exomes 0.50506; 1000 Genomes Project 0.50719.
gnomAD v4.1: 85,385 of 175,774 alleles (49%); highest among the groups gnomAD compares: South Asian, 64%; 22,115 homozygotes.

Submissions (3):

Genomenon, Inc
Classification: Benign for Familial intrahepatic cholestasis. Last evaluated: 2026-04-14. Review status: criteria provided, single submitter. Criteria: Genomenon Sequence Variant Interpretation Standards - Updated. Collection method: curation. Allele origin: germline. Affected: no.
Comment: ABCB11 c.*420A>G is a variant located in the 3′ untranslated region (3′ UTR). This variant is present at high allele frequency in population databases. In conclusion, we classify ABCB11 c.*420A>G as a benign variant.

Illumina Laboratory Services, Illumina
Classification: Benign for Progressive familial intrahepatic cholestasis type 2. Last evaluated: 2018-01-13. Review status: criteria provided, single submitter. Criteria: ICSL Variant Classification Criteria 13 December 2019. Collection method: clinical testing. Allele origin: germline.
Comment: This variant was observed in the ICSL laboratory as part of a predisposition screen in an ostensibly healthy population. It had not been previously curated by ICSL or reported in the Human Gene Mutation Database (HGMD: prior to June 1st, 2018), and was therefore a candidate for classification through an automated scoring system. Utilizing variant allele frequency, disease prevalence and penetrance estimates, and inheritance mode, an automated score was calculated to assess if this variant is too frequent to cause the disease. Based on the score and internal cut-off values, a variant classified as benign is not then subjected to further curation. The score for this variant resulted in a classification of benign for this disease.

Breakthrough Genomics
Classification: Benign. Review status: criteria provided, single submitter. Criteria: ACMG Guidelines, 2015. Collection method: not provided. Allele origin: germline. Inheritance: Autosomal recessive inheritance. Affected: yes.

NM_003742.4(ABCB11):c.*420A>G

Gene: ABCB11 (ATP binding cassette subfamily B member 11; minus strand). Cytogenetic location: 2q31.1.
Variant type: single nucleotide variant.
Coding change: c.*420A>G on transcript NM_003742.4 (MANE Select); 420 bases downstream of the stop codon, A replaced by G.
Molecular consequence: 3 prime UTR variant.
Genome position (GRCh38, 1-based): chr2:168,923,202, T>C on the plus strand (A>G on the coding strand, the complement: ABCB11 is on the minus strand). VCF-style: chr2-168923202-T-C. GRCh37 (hg19) VCF-style: chr2-169779712-T-C.
Other names: c.*420A>G (LRG_1199t1).
Identifiers: ClinVar variation 332013 (VCV000332013.7), dbSNP rs496550, ClinGen allele CA10612834.